The following is an entry in ClinVar:

ClinVar aggregate classification (germline): Uncertain significance (1 of 4 stars; one submission).

Conditions:
Inborn genetic diseases. Identifiers: MedGen C0950123, MeSH D030342.

gnomAD v4.1: 1 of 1,609,556 alleles (0.000062%); highest among the groups gnomAD compares: Admixed American, 0.0017%; no homozygotes.

Submission:

Ambry Genetics
Classification: Uncertain significance for Inborn genetic diseases. Last evaluated: 2025-12-20. Review status: criteria provided, single submitter. Criteria: Ambry Variant Classification Scheme 2023. Collection method: clinical testing. Allele origin: germline.
Comment: The p.N2037D variant (also known as c.6109A>G), located in coding exon 23 of the FANCM gene, results from an A to G substitution at nucleotide position 6109. The asparagine at codon 2037 is replaced by aspartic acid, an amino acid with highly similar properties. This amino acid position is conserved. In addition, this alteration is predicted to be tolerated by in silico analysis. Based on the available evidence, the clinical significance of this variant remains unclear.

NM_020937.4(FANCM):c.6109A>G (p.Asn2037Asp)

Gene: FANCM (FA complementation group M; plus strand). Cytogenetic location: 14q21.2.
Variant type: single nucleotide variant.
Coding change: c.6109A>G on transcript NM_020937.4 (MANE Select); coding-DNA position 6109, A replaced by G.
Protein change: p.Asn2037Asp; replaces asparagine 2037 with aspartic acid.
Molecular consequence: missense variant.
Genome position (GRCh38, 1-based): chr14:45,199,970, A>G. VCF-style: chr14-45199970-A-G. GRCh37 (hg19) VCF-style: chr14-45669173-A-G.
Other names: c.6031A>G, p.Asn2011Asp (NM_001308133.2); short protein forms N2011D, N2037D.
Identifiers: ClinVar variation 4841731 (VCV004841731.1).